The following is an entry in ClinVar:

NM_024422.6(DSC2):c.1251T>C (p.Leu417=)

Gene: DSC2 (desmocollin 2; minus strand). Cytogenetic location: 18q12.1.
Variant type: single nucleotide variant.
Coding change: c.1251T>C on transcript NM_024422.6 (MANE Select); coding-DNA position 1251, T replaced by C.
Protein change: p.Leu417=; no amino-acid change (leucine 417 retained).
Molecular consequence: synonymous variant.
Genome position (GRCh38, 1-based): chr18:31,082,250, A>G on the plus strand (T>C on the coding strand, the complement: DSC2 is on the minus strand). VCF-style: chr18-31082250-A-G. GRCh37 (hg19) VCF-style: chr18-28662216-A-G.
Other names: c.822T>C, p.Leu274= (NM_001406506.1, NM_001406507.1); c.1251T>C, p.Leu417= (NM_004949.5).
Identifiers: ClinVar variation 3071666 (VCV003071666.1), dbSNP rs2510948230, ClinGen allele CA503387212.

ClinVar aggregate classification (germline): Likely benign (1 of 4 stars; one submission).

Conditions:
Familial isolated arrhythmogenic right ventricular dysplasia. Identifiers: Orphanet 217656, MedGen C4274968, MONDO:0016342.

Submission:

All of Us Research Program, National Institutes of Health
Classification: Likely benign for Familial isolated arrhythmogenic right ventricular dysplasia. Last evaluated: 2023-06-08. Review status: criteria provided, single submitter. Criteria: ACMG Guidelines, 2015. Collection method: clinical testing. Allele origin: germline. Inheritance: Autosomal dominant inheritance. Observed: 1 variant allele, 1 heterozygote.
Comment: This study involves interpretation of variants in research participants for the purpose of population health screening. Participant phenotype was not available at the time of variant classification. Additional details can be found in publication PMID: 35346344, PMCID: PMC8962531